The following is an entry in ClinVar:

ClinVar aggregate classification (germline): Uncertain significance. Review status: criteria provided, multiple submitters, no conflicts (2 of 4 stars). 2 submissions from 2 submitters: Uncertain significance (2). Last evaluated 2026-03-30.

Conditions:
MYH14-related disorder. Also called: MYH14-related condition.

Allele frequency attached by ClinVar (database versions not stated): gnomAD 0.00001; gnomAD exomes 0.00001 and 0.00002; TOPMed 0.00002.
gnomAD v4.1: 36 of 1,613,836 alleles (0.0022%); highest among the groups gnomAD compares: Middle Eastern, 0.016%; no homozygotes.

Submissions (2):

PreventionGenetics, part of Exact Sciences
Classification: Uncertain significance for MYH14-related condition. Last evaluated: 2026-03-30. Review status: criteria provided, single submitter. Criteria: ACMG Guidelines, 2015. Collection method: clinical testing. Allele origin: germline.
Comment: The MYH14 c.1790G>A variant is predicted to result in the amino acid substitution p.Arg597Gln. To our knowledge, this variant has not been reported in the literature. This variant is reported in 0.0033% of alleles in individuals of South Asian descent in gnomAD. At this time, the clinical significance of this variant is uncertain due to the absence of conclusive functional and genetic evidence.

Labcorp Genetics (formerly Invitae), Labcorp
Classification: Uncertain significance. Last evaluated: 2024-08-12. Review status: criteria provided, single submitter. Criteria: Invitae Variant Classification Sherloc (09022015). Collection method: clinical testing. Allele origin: germline.
Comment: This sequence change replaces arginine, which is basic and polar, with glutamine, which is neutral and polar, at codon 589 of the MYH14 protein (p.Arg589Gln). This variant is present in population databases (no rsID available, gnomAD 0.003%). This variant has not been reported in the literature in individuals affected with MYH14-related conditions. ClinVar contains an entry for this variant (Variation ID: 1509105). Advanced modeling of protein sequence and biophysical properties (such as structural, functional, and spatial information, amino acid conservation, physicochemical variation, residue mobility, and thermodynamic stability) performed at Invitae indicates that this missense variant is expected to disrupt MYH14 protein function with a positive predictive value of 80%. In summary, the available evidence is currently insufficient to determine the role of this variant in disease. Therefore, it has been classified as a Variant of Uncertain Significance.

NM_001145809.2(MYH14):c.1790G>A (p.Arg597Gln)

Gene: MYH14 (myosin heavy chain 14; plus strand). Cytogenetic location: 19q13.33.
Variant type: single nucleotide variant.
Coding change: c.1790G>A on transcript NM_001145809.2 (MANE Select); coding-DNA position 1790, G replaced by A.
Protein change: p.Arg597Gln; replaces arginine 597 with glutamine.
Molecular consequence: missense variant.
Genome position (GRCh38, 1-based): chr19:50,250,648, G>A. VCF-style: chr19-50250648-G-A. GRCh37 (hg19) VCF-style: chr19-50753905-G-A.
Other names: c.1790G>A, p.Arg597Gln (NM_001077186.2); c.1766G>A, p.Arg589Gln (NM_024729.4); c.1790G>A (NM_001145809.1); short protein forms R589Q, R597Q.
Identifiers: ClinVar variation 1509105 (VCV001509105.7), dbSNP rs950320701, ClinGen allele CA309596979.